The following is an entry in ClinVar:

NM_001754.5(RUNX1):c.*2822C>T

Gene: RUNX1 (RUNX family transcription factor 1; minus strand). Cytogenetic location: 21q22.12.
Variant type: single nucleotide variant.
Coding change: c.*2822C>T on transcript NM_001754.5 (MANE Select); 2822 bases downstream of the stop codon, C replaced by T.
Molecular consequence: 3 prime UTR variant.
Genome position (GRCh38, 1-based): chr21:34,789,313, G>A on the plus strand (C>T on the coding strand, the complement: RUNX1 is on the minus strand). VCF-style: chr21-34789313-G-A. GRCh37 (hg19) VCF-style: chr21-36161610-G-A.
Other names: c.*2822C>T (NM_001001890.3).
Identifiers: ClinVar variation 339819 (VCV000339819.6), dbSNP rs867689771, ClinGen allele CA10644617.

ClinVar aggregate classification (germline): Uncertain significance. Review status: reviewed by expert panel (3 of 4 stars). 2 submissions from 2 submitters: Uncertain significance (1). 1 of the submissions does not count toward it. Last evaluated 2024-09-16.

Conditions:
Hereditary thrombocytopenia and hematologic cancer predisposition syndrome. Identifiers: Orphanet 71290, MedGen CN281654, MONDO:0011071.
Hereditary thrombocytopenia and hematological cancer predisposition syndrome associated with RUNX1. Also called: PLATELET DISORDER, ASPIRIN-LIKE; RUNX1 Familial Platelet Disorder with Associated Myeloid Malignancies; Familial Platelet Disorder with Propensity to Acute Myelogenous Leukemia; Familial thrombocytopenia with propensity to acute myelogenous leukemia. Identifiers: Orphanet 71290, MedGen C1832388, MeSH C563324, MONDO:0100083, OMIM 601399.

Allele frequency attached by ClinVar (database versions not stated): gnomAD 0.00002 and 0.00003; gnomAD exomes 0.00003.
gnomAD v4.1: 6 of 232,482 alleles (0.0026%); highest among the groups gnomAD compares: Middle Eastern, 0.25%; no homozygotes.

Submissions (2):

ClinGen Myeloid Malignancy Variant Curation Expert Panel
Classification: Uncertain significance for Hereditary thrombocytopenia and hematologic cancer predisposition syndrome. Last evaluated: 2024-09-16. Review status: reviewed by expert panel. Criteria: ClinGen MyeloMalig ACMG Specifications v2. Collection method: curation. Allele origin: germline. Inheritance: Autosomal dominant inheritance.
Comment: NM_001754.5(RUNX1):c.*2822C>T is a UTR variant which does not meet any ACMG/AMP criteria. In summary, the clinical significance of this variant is uncertain. ACMG/AMP criteria applied, as specified by the Myeloid Malignancy Variant Curation Expert Panel for RUNX1: None.

Illumina Laboratory Services, Illumina
Classification: Uncertain significance for Hereditary thrombocytopenia and hematological cancer predisposition syndrome associated with RUNX1. Last evaluated: 2018-01-13. Review status: criteria provided, single submitter. Criteria: ICSL Variant Classification Criteria 13 December 2019. Collection method: clinical testing. Allele origin: germline. Not counted in ClinVar's aggregate classification.